The following is an entry in ClinVar:

ClinVar aggregate classification (germline): Benign/Likely benign. Review status: criteria provided, multiple submitters, no conflicts (2 of 4 stars). 3 submissions from 3 submitters: Benign (2); Likely benign (1). Last evaluated 2023-04-01.

Allele frequency attached by ClinVar (database versions not stated): ESP Exome Variant Server 0.00041; ExAC 0.00090; 1000 Genomes Project 30x 0.00094; 1000 Genomes Project 0.00120.
gnomAD v4.1: 1,355 of 1,609,784 alleles (0.084%); highest among the groups gnomAD compares: Non-Finnish European, 0.11%; 2 homozygotes.

Submissions (3):

CeGaT Center for Human Genetics Tuebingen
Classification: Likely benign. Last evaluated: 2023-04-01. Review status: criteria provided, single submitter. Criteria: CeGaT Center For Human Genetics Tuebingen Variant Classification Criteria Version 2. Collection method: clinical testing. Allele origin: germline. Affected: yes. Observed: 3 variant alleles.
Comment: EHMT1: BS1

GeneDx
Classification: Benign. Last evaluated: 2020-04-13. Review status: criteria provided, single submitter. Criteria: GeneDx Variant Classification Process June 2021. Collection method: clinical testing. Allele origin: germline. Affected: yes.

Breakthrough Genomics
Classification: Benign. Review status: criteria provided, single submitter. Criteria: ACMG Guidelines, 2015. Collection method: not provided. Allele origin: germline. Inheritance: Autosomal dominant inheritance. Affected: yes.

NM_024757.5(EHMT1):c.642+22C>G

Gene: EHMT1 (euchromatic histone lysine methyltransferase 1; plus strand). Cytogenetic location: 9q34.3.
Variant type: single nucleotide variant.
Coding change: c.642+22C>G on transcript NM_024757.5 (MANE Select); 22 bases into the intron after coding-DNA position 642, C replaced by G.
Molecular consequence: intron variant.
Genome position (GRCh38, 1-based): chr9:137,717,204, C>G. VCF-style: chr9-137717204-C-G. GRCh37 (hg19) VCF-style: chr9-140611656-C-G.
Other names: c.642+22C>G (NM_001354263.2, NM_001145527.2, NM_001354611.2); c.549+22C>G (NM_001354259.2, NM_001354612.2).
Identifiers: ClinVar variation 1243314 (VCV001243314.30), dbSNP rs138785890, ClinGen allele CA5374373.
Genomic context (GRCh38, chr9:137,717,204, plus strand): 5'-AGGGCACGCAAGACCATGCCGAAGTCCGTCGTGGGCCTGGTAATTTTGTGTCTTCTCTTG[C>G]TGTTTCCTTTTTCCCATCTCTTTTGTTTTAATAACGGCAAATGGACTTTGGTGCATTGAG-3'